The following is an entry in ClinVar:

ClinVar aggregate classification (germline): Uncertain significance (1 of 4 stars; one submission).

Conditions:
CPT1B-related disorder. Also called: CPT1B-related condition.

Allele frequency attached by ClinVar (database versions not stated): gnomAD 0.00001; gnomAD exomes 0.00001; TOPMed 0.00001; ESP Exome Variant Server 0.00008.

Submission:

PreventionGenetics, part of Exact Sciences
Classification: Uncertain significance for CPT1B-related condition. Last evaluated: 2023-03-09. Review status: criteria provided, single submitter. Criteria: ACMG Guidelines, 2015. Collection method: clinical testing. Allele origin: germline.
Comment: The CPT1B c.1454G>A variant is predicted to result in premature protein termination (p.Trp485*). To our knowledge, this variant has not been reported in the literature or in a large population database, indicating this variant is rare. At this time, the clinical significance of this variant is uncertain due to the absence of conclusive functional and genetic evidence.

NM_152246.3(CPT1B):c.1454G>A (p.Trp485Ter)

Genes: CHKB-CPT1B (CHKB-CPT1B readthrough (NMD candidate); minus strand), CPT1B (carnitine palmitoyltransferase 1B; minus strand). Cytogenetic location: 22q13.33.
Variant type: single nucleotide variant.
Coding change: c.1454G>A on transcript NM_152246.3 (MANE Select); coding-DNA position 1454, G replaced by A.
Protein change: p.Trp485Ter; replaces tryptophan 485 with a stop codon.
Molecular consequence: nonsense. On other transcripts: non-coding transcript variant (1).
Genome position (GRCh38, 1-based): chr22:50,572,207, C>T on the plus strand (G>A on the coding strand, the complement: CPT1B is on the minus strand). VCF-style: chr22-50572207-C-T. GRCh37 (hg19) VCF-style: chr22-51010636-C-T.
Other names: c.1352G>A, p.Trp451Ter (NM_001145134.2); c.1454G>A, p.Trp485Ter (NM_001145135.2, NM_001145137.2, NM_004377.4 and 1 more transcripts); short protein forms W451*, W485*.
Identifiers: ClinVar variation 2633852 (VCV002633852.1), dbSNP rs150817976, ClinGen allele CA325531474.